The following is an entry in ClinVar:

NM_006343.3(MERTK):c.1585G>A (p.Val529Ile)

Gene: MERTK (MER proto-oncogene, tyrosine kinase; plus strand). Cytogenetic location: 2q13.
Variant type: single nucleotide variant.
Coding change: c.1585G>A on transcript NM_006343.3 (MANE Select); coding-DNA position 1585, G replaced by A.
Protein change: p.Val529Ile; replaces valine 529 with isoleucine.
Molecular consequence: missense variant.
Genome position (GRCh38, 1-based): chr2:111,997,457, G>A. VCF-style: chr2-111997457-G-A. GRCh37 (hg19) VCF-style: chr2-112755034-G-A.
Other names: short protein forms V529I.
Identifiers: ClinVar variation 2969187 (VCV002969187.4), dbSNP rs1676772666, ClinGen allele CA348231576.

ClinVar aggregate classification (germline): Uncertain significance. Review status: criteria provided, multiple submitters, no conflicts (2 of 4 stars). 2 submissions from 2 submitters: Uncertain significance (2). Last evaluated 2025-04-21.

Allele frequency attached by ClinVar (database versions not stated): gnomAD exomes below 0.00001; TOPMed 0.00001.

Submissions (2):

Labcorp Genetics (formerly Invitae), Labcorp
Classification: Uncertain significance. Last evaluated: 2025-04-21. Review status: criteria provided, single submitter. Criteria: Invitae Variant Classification Sherloc (09022015). Collection method: clinical testing. Allele origin: germline.
Comment: This sequence change replaces valine, which is neutral and non-polar, with isoleucine, which is neutral and non-polar, at codon 529 of the MERTK protein (p.Val529Ile). This variant is not present in population databases (gnomAD no frequency). This variant has not been reported in the literature in individuals affected with MERTK-related conditions. ClinVar contains an entry for this variant (Variation ID: 2969187). Invitae Evidence Modeling of protein sequence and biophysical properties (such as structural, functional, and spatial information, amino acid conservation, physicochemical variation, residue mobility, and thermodynamic stability) indicates that this missense variant is not expected to disrupt MERTK protein function with a negative predictive value of 80%. In summary, the available evidence is currently insufficient to determine the role of this variant in disease. Therefore, it has been classified as a Variant of Uncertain Significance.

Blueprint Genetics
Classification: Uncertain significance. Last evaluated: 2018-10-25. Review status: criteria provided, single submitter. Criteria: ACMG Guidelines, 2015. Collection method: clinical testing. Allele origin: germline.